The following is an entry in ClinVar:

ClinVar aggregate classification (germline): Uncertain significance (1 of 4 stars; one submission).

Conditions:
Hereditary cancer-predisposing syndrome. Also called: Neoplastic Syndromes, Hereditary; Tumor predisposition; Hereditary neoplastic syndrome; Hereditary Cancer Syndrome. Identifiers: Orphanet 140162, MedGen C0027672, MeSH D009386, MONDO:0015356.

Submission:

Ambry Genetics
Classification: Uncertain significance for Hereditary cancer-predisposing syndrome. Last evaluated: 2026-09-08. Review status: criteria provided, single submitter. Criteria: Ambry Variant Classification Scheme 2023. Collection method: clinical testing. Allele origin: germline.
Comment: The c.907_910+8DUP12 variant results from a duplication of 12 nucleotides between positions c.907 and c.910+8 and involves the canonical splice donor site after coding exon 7 of the SUFU gene. In silico splice site analysis predicts that this alteration will not have any significant effect on splicing. The exact impact of this duplication on splicing and function is currently unknown. The canonical splice donor site is highly conserved in available vertebrate species. Based on the available evidence, the clinical significance of this variant remains unclear.

NM_016169.4(SUFU):c.907_910+8dup

Gene: SUFU (SUFU negative regulator of hedgehog signaling; plus strand). Cytogenetic location: 10q24.32.
Variant type: Duplication.
Coding change: c.907_910+8dup on transcript NM_016169.4 (MANE Select); coding-DNA position 907 through 8 bases into the intron after coding-DNA position 910, 12 bases duplicated (AAAGGTGGGAGC).
Molecular consequence: splice donor variant.
Genome position (GRCh38, 1-based): chr10:102,597,290-102,597,301, AAAGGTGGGAGC duplicated; duplicating any 12 consecutive bases within chr10:102,597,288-102,597,301 gives the same sequence; the c. name uses the placement nearest the transcript's 3' end. VCF-style (leftmost placement, unchanged base first): chr10-102597287-G-GGCAAAGGTGGGA. GRCh37 (hg19) VCF-style: chr10-104357044-G-GGCAAAGGTGGGA.
Other names: c.907_910+8dup (NM_001178133.2).
Identifiers: ClinVar variation 5030456 (VCV005030456.1).